The following is an entry in ClinVar:

NM_001270.4(CHD1):c.191C>G (p.Ser64Cys)

Genes: CHD1 (chromodomain helicase DNA binding protein 1; minus strand), LOC126807465 (P300/CBP strongly-dependent group 1 enhancer GRCh37_chr5:98240158-98241357; plus strand). Cytogenetic location: 5q21.1.
Variant type: single nucleotide variant.
Coding change: c.191C>G on transcript NM_001270.4 (MANE Select); coding-DNA position 191, C replaced by G.
Protein change: p.Ser64Cys; replaces serine 64 with cysteine.
Molecular consequence: missense variant. On other transcripts: non-coding transcript variant (2).
Genome position (GRCh38, 1-based): chr5:98,904,961, G>C on the plus strand (C>G on the coding strand, the complement: CHD1 is on the minus strand). VCF-style: chr5-98904961-G-C. GRCh37 (hg19) VCF-style: chr5-98240665-G-C.
Other names: c.191C>G, p.Ser64Cys (NM_001364113.3, NM_001376194.2); short protein forms S64C.
Identifiers: ClinVar variation 3364377 (VCV003364377.1).

ClinVar aggregate classification (germline): Uncertain significance (1 of 4 stars; one submission).

Submission:

GeneDx
Classification: Uncertain significance. Last evaluated: 2023-11-15. Review status: criteria provided, single submitter. Criteria: GeneDx Variant Classification Process June 2021. Collection method: clinical testing. Allele origin: germline. Affected: yes.
Comment: Not observed at significant frequency in large population cohorts (gnomAD); In silico analysis supports that this missense variant has a deleterious effect on protein structure/function; Has not been previously published as pathogenic or benign to our knowledge